The following is an entry in ClinVar:

ClinVar aggregate classification (germline): Uncertain significance. Review status: criteria provided, multiple submitters, no conflicts (2 of 4 stars). 2 submissions from 2 submitters: Uncertain significance (2). Last evaluated 2025-06-02.

Conditions:
Inborn genetic diseases. Identifiers: MedGen C0950123, MeSH D030342.

Submissions (2):

Labcorp Genetics (formerly Invitae), Labcorp
Classification: Uncertain significance. Last evaluated: 2025-06-02. Review status: criteria provided, single submitter. Criteria: Invitae Variant Classification Sherloc (09022015). Collection method: clinical testing. Allele origin: germline.
Comment: This sequence change replaces arginine, which is basic and polar, with lysine, which is basic and polar, at codon 950 of the PTPN23 protein (p.Arg950Lys). This variant is not present in population databases (gnomAD no frequency). This variant has not been reported in the literature in individuals affected with PTPN23-related conditions. ClinVar contains an entry for this variant (Variation ID: 2114384). An algorithm developed to predict the effect of missense changes on protein structure and function outputs the following: PolyPhen-2: "Not Available". The lysine amino acid residue is found in multiple mammalian species, which suggests that this missense change does not adversely affect protein function. In summary, the available evidence is currently insufficient to determine the role of this variant in disease. Therefore, it has been classified as a Variant of Uncertain Significance.

Ambry Genetics
Classification: Uncertain significance for Inborn genetic diseases. Last evaluated: 2021-05-10. Review status: criteria provided, single submitter. Criteria: Ambry Variant Classification Scheme 2023. Collection method: clinical testing. Allele origin: germline.

NM_015466.4(PTPN23):c.2849G>A (p.Arg950Lys)

Gene: PTPN23 (protein tyrosine phosphatase non-receptor type 23; plus strand). Cytogenetic location: 3p21.31.
Variant type: single nucleotide variant.
Coding change: c.2849G>A on transcript NM_015466.4 (MANE Select); coding-DNA position 2849, G replaced by A.
Protein change: p.Arg950Lys; replaces arginine 950 with lysine.
Molecular consequence: missense variant.
Genome position (GRCh38, 1-based): chr3:47,410,647, G>A. VCF-style: chr3-47410647-G-A. GRCh37 (hg19) VCF-style: chr3-47452137-G-A.
Other names: c.2471G>A, p.Arg824Lys (NM_001304482.2); short protein forms R824K, R950K.
Identifiers: ClinVar variation 2114384 (VCV002114384.4), dbSNP rs2546251269, ClinGen allele CA352560620.
Genomic context (GRCh38, chr3:47,410,647, plus strand): 5'-AACCCATCCCGGCACAGCACCACTTCTCTTCTGGGATCCCCGCAGGTTTTCCAGCCCCAA[G>A]GATTGGGCCCCAGCCCCAGCCCCATCCTCAGCCCCATCCTTCACAAGCGTTTGGGCCTCA-3'
Protein context (NP_056281.1, residues 940-960): SGIPAGFPAP[Arg950Lys]IGPQPQPHPQ